The following is an entry in ClinVar:

NM_000275.3(OCA2):c.913C>T (p.Arg305Trp)

Gene: OCA2 (OCA2 melanosomal transmembrane protein; minus strand). Cytogenetic location: 15q13.1.
Variant type: single nucleotide variant.
Coding change: c.913C>T on transcript NM_000275.3 (MANE Select); coding-DNA position 913, C replaced by T.
Protein change: p.Arg305Trp; replaces arginine 305 with tryptophan.
Molecular consequence: missense variant.
Genome position (GRCh38, 1-based): chr15:28,014,907, G>A on the plus strand (C>T on the coding strand, the complement: OCA2 is on the minus strand). VCF-style: chr15-28014907-G-A. GRCh37 (hg19) VCF-style: chr15-28260053-G-A.
Other names: c.913C>T, p.Arg305Trp (NM_001300984.2); short protein forms R305W.
Identifiers: ClinVar variation 962 (VCV000000962.26), dbSNP rs1800401, ClinGen allele CA114678.

ClinVar aggregate classification (germline): Benign/Likely benign. Review status: criteria provided, multiple submitters, no conflicts (2 of 4 stars). 11 submissions from 11 submitters: Benign (8); Likely benign (2). 1 of the submissions does not count toward it. Last evaluated 2026-05-04.

Conditions:
Tyrosinase-positive oculocutaneous albinism (OCA2). Also called: ALBINISM II; Albinism, oculocutaneous, type II; Oculocutaneous albinism type 2. Identifiers: Orphanet 79432, MedGen C0268495, MONDO:0008746, OMIM 203200.
SKIN/HAIR/EYE PIGMENTATION 1, BLUE/NONBLUE EYES (SHEP1). Also called: EYE COLOR 3; EYE COLOR, BLUE/NONBLUE; EYE COLOR, BROWN/BLUE; SKIN/HAIR/EYE PIGMENTATION 1, BLOND/BROWN HAIR; SKIN/HAIR/EYE PIGMENTATION 1, BLUE/BROWN EYES; BROWN EYE COLOR 2. Identifiers: MedGen C1856895, OMIM 227220.

Allele frequency attached by ClinVar (database versions not stated): gnomAD exomes 0.05555 and 0.06325; ExAC 0.06564; gnomAD 0.07659 and 0.07663; TOPMed 0.07960; 1000 Genomes Project 0.08247; 1000 Genomes Project 30x 0.08463.
gnomAD v4.1: 93,480 of 1,614,008 alleles (5.8%); highest among the groups gnomAD compares: African/African-American, 14%; 3,680 homozygotes.

Submissions (11):

Women's Health and Genetics/Laboratory Corporation of America, LabCorp
Classification: Likely benign. Last evaluated: 2026-05-04. Review status: criteria provided, single submitter. Criteria: LabCorp Variant Classification Summary - May 2015. Collection method: clinical testing. Allele origin: germline.

Labcorp Genetics (formerly Invitae), Labcorp
Classification: Benign. Last evaluated: 2026-02-04. Review status: criteria provided, single submitter. Criteria: Invitae Variant Classification Sherloc (09022015). Collection method: clinical testing. Allele origin: germline.

Blueprint Genetics
Classification: Likely benign. Last evaluated: 2024-11-28. Review status: criteria provided, single submitter. Criteria: ACMG Guidelines, 2015. Collection method: clinical testing. Allele origin: germline.

Fulgent Genetics
Classification: Benign for Tyrosinase-positive oculocutaneous albinism; SKIN/HAIR/EYE PIGMENTATION 1, BLUE/NONBLUE EYES. Last evaluated: 2022-05-16. Review status: criteria provided, single submitter. Criteria: ACMG Guidelines, 2015. Collection method: clinical testing. Allele origin: unknown.

Genome-Nilou Lab
Classification: Benign for Tyrosinase-positive oculocutaneous albinism. Last evaluated: 2021-05-18. Review status: criteria provided, single submitter. Criteria: ACMG Guidelines, 2015. Collection method: clinical testing. Allele origin: germline. Affected: no.

GeneDx
Classification: Benign. Last evaluated: 2018-08-28. Review status: criteria provided, single submitter. Criteria: GeneDx Variant Classification Process June 2021. Collection method: clinical testing. Allele origin: germline. Affected: yes.
Comment: This variant is associated with the following publications: (PMID: 14709592, 27734839, 28451379, 12163334, 21541274, 23824587)

Illumina Laboratory Services, Illumina
Classification: Benign for Tyrosinase-positive oculocutaneous albinism. Last evaluated: 2018-03-06. Review status: criteria provided, single submitter. Criteria: ICSL Variant Classification Criteria 13 December 2019. Collection method: clinical testing. Allele origin: germline.
Comment: This variant was observed in the ICSL laboratory as part of a predisposition screen in an ostensibly healthy population. It had not been previously curated by ICSL or reported in the Human Gene Mutation Database (HGMD: prior to June 1st, 2018), and was therefore a candidate for classification through an automated scoring system. Utilizing variant allele frequency, disease prevalence and penetrance estimates, and inheritance mode, an automated score was calculated to assess if this variant is too frequent to cause the disease. Based on the score and internal cut-off values, a variant classified as benign is not then subjected to further curation. The score for this variant resulted in a classification of benign for this disease.

Eurofins Ntd Llc (ga)
Classification: Benign. Last evaluated: 2014-09-18. Review status: criteria provided, single submitter. Criteria: EGL Classification Definitions 2015. Collection method: clinical testing. Allele origin: germline. Observed: 1 variant allele, 1 heterozygote.

Breakthrough Genomics
Classification: Benign. Review status: criteria provided, single submitter. Criteria: ACMG Guidelines, 2015. Collection method: not provided. Allele origin: germline. Inheritance: Autosomal recessive inheritance. Affected: yes.

PreventionGenetics, part of Exact Sciences
Classification: Benign. Review status: criteria provided, single submitter. Criteria: ACMG Guidelines, 2015. Collection method: clinical testing. Allele origin: germline.

OMIM
Classification: Affects for SKIN/HAIR/EYE PIGMENTATION 1, BLUE/NONBLUE EYES. Last evaluated: 2005-08-01. Review status: no assertion criteria provided. Collection method: literature only. Allele origin: germline. Not counted in ClinVar's aggregate classification.

Literature cited by the submitters: PubMed 12163334 (cited by OMIM); PubMed 15889046 (cited by OMIM).